The following is an entry in ClinVar:

NM_006269.2(RP1):c.2389C>T (p.Gln797Ter)

Gene: RP1 (RP1 axonemal microtubule associated; plus strand). Cytogenetic location: 8q12.1.
Variant type: single nucleotide variant.
Coding change: c.2389C>T on transcript NM_006269.2 (MANE Select); coding-DNA position 2389, C replaced by T.
Protein change: p.Gln797Ter; replaces glutamine 797 with a stop codon.
Molecular consequence: nonsense. On other transcripts: intron variant (1).
Genome position (GRCh38, 1-based): chr8:54,626,271, C>T. VCF-style: chr8-54626271-C-T. GRCh37 (hg19) VCF-style: chr8-55538831-C-T.
Other names: p.Gln797*; c.787+3983C>T (NM_001375654.1); short protein forms Q797*.
Identifiers: ClinVar variation 5042632 (VCV005042632.1).

ClinVar aggregate classification (germline): Likely pathogenic (1 of 4 stars; one submission).

Conditions:
RP1-related recessive retinopathy. Identifiers: MedGen CN322605, MONDO:0800399.

Submission:

Department of Ophthalmology, Seoul National University Bundang Hospital
Classification: Likely pathogenic for RP1-related recessive retinopathy. Last evaluated: 2026-10-19. Review status: criteria provided, single submitter. Criteria: ACMG Guidelines, 2015. Collection method: clinical testing. Allele origin: germline. Inheritance: Autosomal recessive inheritance. Affected: yes.
Comment: Nonsense variant in exon 4, within the dominant cluster. Identified in a Korean multicenter RP1 cohort (PMID:42847597) only in the biallelic state, with recessive retinitis pigmentosa. ACMG/AMP criteria: PVS1, PM2.

Literature cited by the submitters: PubMed 42847597.